The following is an entry in ClinVar:

NM_005482.3(PIGK):c.584+4A>G

Gene: PIGK (phosphatidylinositol glycan anchor biosynthesis class K; minus strand). Cytogenetic location: 1p31.1.
Variant type: single nucleotide variant.
Coding change: c.584+4A>G on transcript NM_005482.3 (MANE Select); 4 bases into the intron after coding-DNA position 584, A replaced by G.
Molecular consequence: intron variant.
Genome position (GRCh38, 1-based): chr1:77,163,842, T>C on the plus strand (A>G on the coding strand, the complement: PIGK is on the minus strand). VCF-style: chr1-77163842-T-C. GRCh37 (hg19) VCF-style: chr1-77629527-T-C.
Identifiers: ClinVar variation 3306488 (VCV003306488.1).

ClinVar aggregate classification (germline): Uncertain significance (1 of 4 stars; one submission).

Conditions:
Inborn genetic diseases. Identifiers: MedGen C0950123, MeSH D030342.

gnomAD v4.1: 20 of 1,539,492 alleles (0.0013%); highest among the groups gnomAD compares: Admixed American, 0.032%; no homozygotes.

Submission:

Ambry Genetics
Classification: Uncertain significance for Inborn genetic diseases. Last evaluated: 2024-05-08. Review status: criteria provided, single submitter. Criteria: Ambry Variant Classification Scheme 2023. Collection method: clinical testing. Allele origin: germline.
Comment: The c.584+4A>G intronic alteration consists of a A to G substitution nucleotides after coding exon 6 in the PIGK gene. Based on insufficient or conflicting evidence, the clinical significance of this alteration remains unclear.